The following is an entry in ClinVar:

ClinVar aggregate classification (germline): Uncertain significance (1 of 4 stars; one submission).

Allele frequency attached by ClinVar (database versions not stated): TOPMed 0.00001; gnomAD 0.00002; ExAC 0.00004; ESP Exome Variant Server 0.00008; 1000 Genomes Project 0.00020; 1000 Genomes Project 30x 0.00031.
gnomAD v4.1: 18 of 1,613,488 alleles (0.0011%); highest among the groups gnomAD compares: East Asian, 0.0089%; 1 homozygote.

Submission:

Labcorp Genetics (formerly Invitae), Labcorp
Classification: Uncertain significance. Last evaluated: 2022-07-07. Review status: criteria provided, single submitter. Criteria: Invitae Variant Classification Sherloc (09022015). Collection method: clinical testing. Allele origin: germline.
Comment: This sequence change replaces valine, which is neutral and non-polar, with methionine, which is neutral and non-polar, at codon 795 of the FREM2 protein (p.Val795Met). This variant is present in population databases (rs369187680, gnomAD 0.01%), including at least one homozygous and/or hemizygous individual. This variant has not been reported in the literature in individuals affected with FREM2-related conditions. Algorithms developed to predict the effect of missense changes on protein structure and function are either unavailable or do not agree on the potential impact of this missense change (SIFT: "Deleterious"; PolyPhen-2: "Possibly Damaging"; Align-GVGD: "Class C0"). In summary, the available evidence is currently insufficient to determine the role of this variant in disease. Therefore, it has been classified as a Variant of Uncertain Significance.

NM_207361.6(FREM2):c.2383G>A (p.Val795Met)

Gene: FREM2 (FRAS1 related extracellular matrix 2; plus strand). Cytogenetic location: 13q13.3.
Variant type: single nucleotide variant.
Coding change: c.2383G>A on transcript NM_207361.6 (MANE Select); coding-DNA position 2383, G replaced by A.
Protein change: p.Val795Met; replaces valine 795 with methionine.
Molecular consequence: missense variant.
Genome position (GRCh38, 1-based): chr13:38,689,727, G>A. VCF-style: chr13-38689727-G-A. GRCh37 (hg19) VCF-style: chr13-39263864-G-A.
Other names: short protein forms V795M.
Identifiers: ClinVar variation 2420638 (VCV002420638.3), dbSNP rs369187680, ClinGen allele CA6954601.